The following is an entry in ClinVar:

ClinVar aggregate classification (germline): Likely benign. Review status: criteria provided, single submitter (1 of 4 stars). 2 submissions from 2 submitters: Likely benign (1). 1 of the submissions does not count toward it. Last evaluated 2024-03-01.

Conditions:
ANKZF1-related disorder. Also called: ANKZF1-related condition.

Allele frequency attached by ClinVar (database versions not stated): gnomAD exomes below 0.00001.
gnomAD v4.1: 4 of 1,614,126 alleles (0.00025%); highest among the groups gnomAD compares: Non-Finnish European, 0.00034%; no homozygotes.

Submissions (2):

Labcorp Genetics (formerly Invitae), Labcorp
Classification: Likely benign. Last evaluated: 2024-03-01. Review status: criteria provided, single submitter. Criteria: Invitae Variant Classification Sherloc (09022015). Collection method: clinical testing. Allele origin: germline.

PreventionGenetics, part of Exact Sciences
Classification: Likely benign for ANKZF1-related condition. Last evaluated: 2023-12-01. Review status: no assertion criteria provided. Collection method: clinical testing. Allele origin: germline. Not counted in ClinVar's aggregate classification.
Comment: This variant is classified as likely benign based on ACMG/AMP sequence variant interpretation guidelines (Richards et al. 2015 PMID: 25741868, with internal and published modifications).

NM_018089.3(ANKZF1):c.1108A>C (p.Arg370=)

Gene: ANKZF1 (ankyrin repeat and zinc finger peptidyl tRNA hydrolase 1; plus strand). Cytogenetic location: 2q35.
Variant type: single nucleotide variant.
Coding change: c.1108A>C on transcript NM_018089.3 (MANE Select); coding-DNA position 1108, A replaced by C.
Protein change: p.Arg370=; no amino-acid change (arginine 370 retained).
Molecular consequence: synonymous variant.
Genome position (GRCh38, 1-based): chr2:219,234,192, A>C. VCF-style: chr2-219234192-A-C. GRCh37 (hg19) VCF-style: chr2-220098914-A-C.
Other names: c.1108A>C, p.Arg370= (NM_001042410.2); c.478A>C, p.Arg160= (NM_001282792.2).
Identifiers: ClinVar variation 3029643 (VCV003029643.4), dbSNP rs2544923176, ClinGen allele CA431279318.